The following is an entry in ClinVar:

NM_000551.4(VHL):c.340+720A>G

Genes: VHL (von Hippel-Lindau tumor suppressor; plus strand), LOC107303340 (3p25 von Hippel-Lindau tumor suppressor, E3 ubiquitin protein ligase Alu-mediated recombination region; plus strand). Cytogenetic location: 3p25.3.
Variant type: single nucleotide variant.
Coding change: c.340+720A>G on transcript NM_000551.4 (MANE Select); 720 bases into the intron after coding-DNA position 340, A replaced by G.
Molecular consequence: intron variant. On other transcripts: missense variant (1).
Genome position (GRCh38, 1-based): chr3:10,142,907, A>G. VCF-style: chr3-10142907-A-G. GRCh37 (hg19) VCF-style: chr3-10184591-A-G.
Other names: c.485A>G, p.Lys162Arg (NM_001354723.2); c.340+720A>G (NM_198156.3); short protein forms K162R.
Identifiers: ClinVar variation 1051318 (VCV001051318.9), dbSNP rs2125126022, ClinGen allele CA2499216366.
Genomic context (GRCh38, chr3:10,142,907, plus strand): 5'-AGACAGGAACAAGCCAGGGTCATGTTGGCGCCGGAAGAGCCGACCGTGTGTGGCGTGGGA[A>G]ATTGACTTACCTGCCTGCTGGGAGATGGAGGGGTTGCGGTTGTGTGGTTTCAGTTAAGGA-3'

ClinVar aggregate classification (germline): Uncertain significance (1 of 4 stars; one submission).

Conditions:
Chuvash polycythemia. Also called: POLYCYTHEMIA, VHL-DEPENDENT. Identifiers: Orphanet 238557, MedGen C1837915, MONDO:0009892, OMIM 263400.
Von Hippel-Lindau syndrome (VHLS). Also called: Von Hippel-Lindau; von Hippel–Lindau syndrome; VHL syndrome. Identifiers: Orphanet 892, MedGen C0019562, MONDO:0008667, OMIM 193300. Disease mechanism: loss of function.

Submission:

Labcorp Genetics (formerly Invitae), Labcorp
Classification: Uncertain significance for Von Hippel-Lindau syndrome; Chuvash polycythemia. Last evaluated: 2020-07-28. Review status: criteria provided, single submitter. Criteria: Invitae Variant Classification Sherloc (09022015). Collection method: clinical testing. Allele origin: germline.
Comment: Experimental studies and prediction algorithms are not available or were not evaluated for this variant, and the functional significance of this variant is currently unknown. This variant has not been reported in the literature in individuals with VHL-related conditions. The frequency data for this variant in the population databases is considered unreliable, as metrics indicate insufficient coverage at this position in the ExAC database. This sequence change falls in intron 1 of the VHL gene. It is not expected to change the encoded amino acid sequence of the VHL protein. However, this sequence change falls within a cryptic exon in the VHL gene, known as exon E1’, which is naturally expressed at low levels in several human tissues (PMID: 29891534). In summary, the available evidence is currently insufficient to determine the role of this variant in disease. Therefore, it has been classified as a Variant of Uncertain Significance.

Literature cited by the submitters: PubMed 29891534.